The following is an entry in ClinVar:

NM_017780.4(CHD7):c.6989_6990delinsCT (p.Gly2330Ala)

Gene: CHD7 (chromodomain helicase DNA binding protein 7; plus strand). Cytogenetic location: 8q12.2.
Variant type: Indel.
Coding change: c.6989_6990delinsCT on transcript NM_017780.4 (MANE Select); coding-DNA positions 6989 to 6990, GC replaced by CT.
Protein change: p.Gly2330Ala; replaces glycine 2330 with alanine.
Molecular consequence: missense variant. On other transcripts: intron variant (1).
Genome position (GRCh38, 1-based): chr8:60,856,027-60,856,028, GC replaced by CT. VCF-style: chr8-60856027-GC-CT. GRCh37 (hg19) VCF-style: chr8-61768586-GC-CT.
Other names: c.6989_6990delGCinsCT (NM_017780.3); c.1717-6202_1717-6201delinsCT (NM_001316690.1); short protein forms G2330A.
Identifiers: ClinVar variation 529148 (VCV000529148.18), dbSNP rs1554604771, ClinGen allele CA658797104.

ClinVar aggregate classification (germline): Conflicting classifications of pathogenicity. Review status: criteria provided, conflicting classifications (1 of 4 stars). 4 submissions from 4 submitters: Uncertain significance (1); Benign (2); Likely benign (1). Last evaluated 2026-01-21.

Conditions:
Inborn genetic diseases. Identifiers: MedGen C0950123, MeSH D030342.
CHARGE syndrome (CHARGE). Also called: Hittner Hirsch Kreh syndrome; Coloboma, heart anomaly, choanal atresia, retardation, genital and ear anomalies; CHARGE association; Hall-Hittner syndrome; CHARGE ASSOCIATION--COLOBOMA, HEART ANOMALY, CHOANAL ATRESIA, RETARDATION, GENITAL AND EAR ANOMALIES. Identifiers: Orphanet 138, MedGen C0265354, MONDO:0008965.

Submissions (4):

Labcorp Genetics (formerly Invitae), Labcorp
Classification: Likely benign for CHARGE syndrome. Last evaluated: 2026-01-21. Review status: criteria provided, single submitter. Criteria: Invitae Variant Classification Sherloc (09022015). Collection method: clinical testing. Allele origin: germline.

GeneDx
Classification: Benign. Last evaluated: 2019-02-12. Review status: criteria provided, single submitter. Criteria: GeneDx Variant Classification Process June 2021. Collection method: clinical testing. Allele origin: germline. Affected: yes.

Laboratory for Molecular Medicine, Mass General Brigham Personalized Medicine
Classification: Benign. Last evaluated: 2018-07-27. Review status: criteria provided, single submitter. Criteria: LMM Criteria. Collection method: clinical testing. Allele origin: germline. Observed: 1 variant allele.
Comment: The c.6989_6990delinsCT variant in CHD7 is classified as benign because it had b een identified in 0.26% (61/23434) of African chromosomes including 1 homozygote by the Genome Aggregation Database (gnomAD; d bSNP rs77704609 and rs559382275). ACMG/AMP Criteria applied: BA1.

Ambry Genetics
Classification: Uncertain significance for Inborn genetic diseases. Last evaluated: 2018-01-24. Review status: criteria provided, single submitter. Criteria: Ambry Variant Classification Scheme 2023. Collection method: clinical testing. Allele origin: germline.
Comment: The c.6989_6990delGCinsCT variant (also known as p.G2330A), located in coding exon 32 of the CHD7 gene, results from an in-frame deletion of GC and insertion of CT at nucleotide positions 6989 to 6990. This results in the substitution of the glycine residue for an alanine residue at codon 2330, an amino acid with similar properties. In one study, c.6989G>C (p.G2330A) was reported as a rare missense variation of unknown pathogenicity identified in a cohort of samples submitted for CHD7 analysis (Bartels CF et al. Genet Test Mol Biomarkers, 2010 Dec;14:881-91). In another study, c.6989G>C (p.G2330A) was classified as a benign CHD7 missense variant present in two or more controls and/or found in the homozygous state; however, more specific information was not provided (Bergman JE et al. Hum. Mutat., 2012 Aug;33:1251-60). This amino acid position is highly conserved in available vertebrate species. Based on available evidence to date, the clinical significance of this alteration remains unclear.

Literature cited by the submitters: PubMed 21158681 (cited by Ambry Genetics); PubMed 22539353 (cited by Ambry Genetics).